The following is an entry in ClinVar:

NM_025243.4(SLC19A3):c.980-40dup

Gene: SLC19A3 (solute carrier family 19 member 3; minus strand). Cytogenetic location: 2q36.3.
Variant type: Duplication.
Coding change: c.980-40dup on transcript NM_025243.4 (MANE Select); 40 bases into the intron before coding-DNA position 980, one base duplicated (A; older notation c.980-40dupA).
Molecular consequence: intron variant.
Genome position (GRCh38, 1-based): chr2:227,696,119, T duplicated on the plus strand (A on the coding strand, the reverse complement: SLC19A3 is on the minus strand); the first of 3 consecutive T bases (chr2:227,696,119-227,696,121); duplicating any one gives the same sequence. VCF-style (leftmost placement, unchanged base first): chr2-227696118-C-CT. GRCh37 (hg19) VCF-style: chr2-228560834-C-CT.
Other names: c.968-40dup (NM_001371413.1, NM_001371414.1); c.980-40dup (NM_001371411.1, NM_001371412.1).
Identifiers: ClinVar variation 1179644 (VCV001179644.4), dbSNP rs79287293, ClinGen allele CA2149187.

ClinVar aggregate classification (germline): Benign. Review status: criteria provided, multiple submitters, no conflicts (2 of 4 stars). 2 submissions from 2 submitters: Benign (2). Last evaluated 2024-07-15.

Submissions (2):

Unidad de Genómica Garrahan, Hospital de Pediatría Garrahan
Classification: Benign. Last evaluated: 2024-07-15. Review status: criteria provided, single submitter. Criteria: ACMG Guidelines, 2015. Collection method: clinical testing. Allele origin: germline. Affected: no. Observed: 35 variant alleles.
Comment: This variant is classified as Benign based on local population frequency. This variant was detected in 38% of patients studied in a panel designed for Epileptic and Developmental Encephalopathy and Progressive Myoclonus Epilepsy. Number of patients: 35. Only high quality variants are reported.

GeneDx
Classification: Benign. Last evaluated: 2018-06-25. Review status: criteria provided, single submitter. Criteria: GeneDx Variant Classification Process June 2021. Collection method: clinical testing. Allele origin: germline. Affected: yes.